The following is an entry in ClinVar:

ClinVar aggregate classification (germline): Likely benign. Review status: criteria provided, multiple submitters, no conflicts (2 of 4 stars). 4 submissions from 4 submitters: Likely benign (4). Last evaluated 2025-10-07.

Conditions:
SETD5-related disorder. Also called: SETD5-related disorders; SETD5-related condition.
Inborn genetic diseases. Identifiers: MedGen C0950123, MeSH D030342.

Allele frequency attached by ClinVar (database versions not stated): TOPMed 0.00002; gnomAD 0.00003; ExAC 0.00005.
gnomAD v4.1: 46 of 1,613,560 alleles (0.0029%); highest among the groups gnomAD compares: East Asian, 0.0045%; no homozygotes.

Submissions (4):

PreventionGenetics, part of Exact Sciences
Classification: Likely benign for SETD5-related condition. Last evaluated: 2025-10-07. Review status: criteria provided, single submitter. Criteria: ACMG Guidelines, 2015. Collection method: clinical testing. Allele origin: germline.
Comment: This variant is classified as likely benign based on ACMG/AMP sequence variant interpretation guidelines (Richards et al. 2015 PMID: 25741868, with internal and published modifications).

Labcorp Genetics (formerly Invitae), Labcorp
Classification: Likely benign. Last evaluated: 2025-09-16. Review status: criteria provided, single submitter. Criteria: Invitae Variant Classification Sherloc (09022015). Collection method: clinical testing. Allele origin: germline.

Ambry Genetics
Classification: Likely benign for Inborn genetic diseases. Last evaluated: 2025-08-04. Review status: criteria provided, single submitter. Criteria: Ambry Variant Classification Scheme 2023. Collection method: clinical testing. Allele origin: germline.

Laboratory of Genetics, Children's Clinical University Hospital Latvia
Classification: Likely benign. Last evaluated: 2025-02-16. Review status: criteria provided, single submitter. Criteria: ACMG Guidelines, 2015. Collection method: clinical testing. Allele origin: germline. Affected: yes.

NM_001080517.3(SETD5):c.4277G>A (p.Arg1426Gln)

Gene: SETD5 (SET domain containing 5; plus strand). Cytogenetic location: 3p25.3.
Variant type: single nucleotide variant.
Coding change: c.4277G>A on transcript NM_001080517.3 (MANE Select); coding-DNA position 4277, G replaced by A.
Protein change: p.Arg1426Gln; replaces arginine 1426 with glutamine.
Molecular consequence: missense variant.
Genome position (GRCh38, 1-based): chr3:9,476,039, G>A. VCF-style: chr3-9476039-G-A. GRCh37 (hg19) VCF-style: chr3-9517723-G-A.
Other names: c.3983G>A, p.Arg1328Gln (NM_001292043.2, NM_001349451.2); c.4277G>A (NM_001080517.1); short protein forms R1328Q, R1426Q.
Identifiers: ClinVar variation 2628806 (VCV002628806.5), dbSNP rs757364157, ClinGen allele CA2239907.